The following is an entry in ClinVar:

NM_001369268.1(ACAN):c.535A>G (p.Ser179Gly)

Gene: ACAN (aggrecan; plus strand). Cytogenetic location: 15q26.1.
Variant type: single nucleotide variant.
Coding change: c.535A>G on transcript NM_001369268.1 (MANE Select); coding-DNA position 535, A replaced by G.
Protein change: p.Ser179Gly; replaces serine 179 with glycine.
Molecular consequence: missense variant.
Genome position (GRCh38, 1-based): chr15:88,840,092, A>G. VCF-style: chr15-88840092-A-G. GRCh37 (hg19) VCF-style: chr15-89383323-A-G.
Other names: c.535A>G, p.Ser179Gly (NM_001135.4, NM_001411096.1, NM_001411097.1 and 1 more transcripts); short protein forms S179G.
Identifiers: ClinVar variation 2821996 (VCV002821996.3), dbSNP rs2505230629, ClinGen allele CA393717016.

ClinVar aggregate classification (germline): Uncertain significance (1 of 4 stars; one submission).

Submission:

Labcorp Genetics (formerly Invitae), Labcorp
Classification: Uncertain significance. Last evaluated: 2023-03-20. Review status: criteria provided, single submitter. Criteria: Invitae Variant Classification Sherloc (09022015). Collection method: clinical testing. Allele origin: germline.
Comment: In summary, the available evidence is currently insufficient to determine the role of this variant in disease. Therefore, it has been classified as a Variant of Uncertain Significance. Advanced modeling of protein sequence and biophysical properties (such as structural, functional, and spatial information, amino acid conservation, physicochemical variation, residue mobility, and thermodynamic stability) performed at Invitae indicates that this missense variant is not expected to disrupt ACAN protein function. This variant has not been reported in the literature in individuals affected with ACAN-related conditions. This variant is not present in population databases (gnomAD no frequency). This sequence change replaces serine, which is neutral and polar, with glycine, which is neutral and non-polar, at codon 179 of the ACAN protein (p.Ser179Gly).